The following is an entry in ClinVar:

ClinVar aggregate classification (germline): Uncertain significance (1 of 4 stars; one submission).

Allele frequency attached by ClinVar (database versions not stated): gnomAD exomes below 0.00001; ExAC 0.00001; TOPMed 0.00003; gnomAD 0.00004; ESP Exome Variant Server 0.00008; 1000 Genomes Project 30x 0.00016; 1000 Genomes Project 0.00020.
gnomAD v4.1: 12 of 1,614,004 alleles (0.00074%); highest among the groups gnomAD compares: African/African-American, 0.013%; no homozygotes.

Submission:

Labcorp Genetics (formerly Invitae), Labcorp
Classification: Uncertain significance. Last evaluated: 2022-08-16. Review status: criteria provided, single submitter. Criteria: Invitae Variant Classification Sherloc (09022015). Collection method: clinical testing. Allele origin: germline.
Comment: This sequence change replaces glycine, which is neutral and non-polar, with aspartic acid, which is acidic and polar, at codon 502 of the COL9A1 protein (p.Gly502Asp). This variant is present in population databases (rs376101677, gnomAD 0.008%). This variant has not been reported in the literature in individuals affected with COL9A1-related conditions. ClinVar contains an entry for this variant (Variation ID: 1006982). Algorithms developed to predict the effect of missense changes on protein structure and function (SIFT, PolyPhen-2, Align-GVGD) all suggest that this variant is likely to be disruptive. In summary, the available evidence is currently insufficient to determine the role of this variant in disease. Therefore, it has been classified as a Variant of Uncertain Significance.

NM_001851.6(COL9A1):c.1505G>A (p.Gly502Asp)

Gene: COL9A1 (collagen type IX alpha 1 chain; minus strand). Cytogenetic location: 6q13.
Variant type: single nucleotide variant.
Coding change: c.1505G>A on transcript NM_001851.6 (MANE Select); coding-DNA position 1505, G replaced by A.
Protein change: p.Gly502Asp; replaces glycine 502 with aspartic acid.
Molecular consequence: missense variant. On other transcripts: non-coding transcript variant (1).
Genome position (GRCh38, 1-based): chr6:70,255,389, C>T on the plus strand (G>A on the coding strand, the complement: COL9A1 is on the minus strand). VCF-style: chr6-70255389-C-T. GRCh37 (hg19) VCF-style: chr6-70965092-C-T.
Other names: c.776G>A, p.Gly259Asp (NM_001377289.1, NM_001377290.1, NM_078485.4); short protein forms G259D, G502D.
Identifiers: ClinVar variation 1006982 (VCV001006982.4), dbSNP rs376101677, ClinGen allele CA3882153.
Genomic context (GRCh38, chr6:70,255,389, plus strand): 5'-AAACTCACTCTATCTCCTTTGGGACCTGCTTCTCCTGGAGGTCCTCGCTGTCCTTGATCA[C>T]CCTGTATGAAAATAAAATTTTGTTAATACAAGAAAAAGTTACTTATTAATCAACTTTTAA-3'
Protein context (NP_001842.3, residues 492-512): PGPQGLPGAP[Gly502Asp]DQGQRGPPGE